The following is an entry in ClinVar:

ClinVar aggregate classification (germline): Conflicting classifications of pathogenicity. Review status: criteria provided, conflicting classifications (1 of 4 stars). 2 submissions from 2 submitters: Uncertain significance (1); Likely benign (1). Last evaluated 2025-01-14.

Allele frequency attached by ClinVar (database versions not stated): gnomAD exomes 0.00008 and 0.00025; ExAC 0.00042; 1000 Genomes Project 30x 0.00062; 1000 Genomes Project 0.00080; TOPMed 0.00090; gnomAD 0.00095 and 0.00103; ESP Exome Variant Server 0.00154.
gnomAD v4.1: 267 of 1,613,014 alleles (0.017%); highest among the groups gnomAD compares: African/African-American, 0.33%; 1 homozygote.

Submissions (2):

GeneDx
Classification: Uncertain significance. Last evaluated: 2025-01-14. Review status: criteria provided, single submitter. Criteria: GeneDx Variant Classification Process June 2021. Collection method: clinical testing. Allele origin: germline. Affected: yes.
Comment: In silico analysis indicates that this missense variant does not alter protein structure/function; Has not been previously published as pathogenic or benign to our knowledge; This variant is associated with the following publications: (PMID: 26806015)

Labcorp Genetics (formerly Invitae), Labcorp
Classification: Likely benign. Last evaluated: 2019-12-31. Review status: criteria provided, single submitter. Criteria: Invitae Variant Classification Sherloc (09022015). Collection method: clinical testing. Allele origin: germline.

NM_000125.4(ESR1):c.454C>G (p.Pro152Ala)

Gene: ESR1 (estrogen receptor 1; plus strand). Cytogenetic location: 6q25.1.
Variant type: single nucleotide variant.
Coding change: c.454C>G on transcript NM_000125.4 (MANE Select); coding-DNA position 454, C replaced by G.
Protein change: p.Pro152Ala; replaces proline 152 with alanine.
Molecular consequence: missense variant. On other transcripts: 5 prime UTR variant (1).
Genome position (GRCh38, 1-based): chr6:151,842,598, C>G. VCF-style: chr6-151842598-C-G. GRCh37 (hg19) VCF-style: chr6-152163733-C-G.
Other names: c.454C>G, p.Pro152Ala (NM_001122740.2, NM_001122741.2, NM_001122742.2 and 7 more transcripts); c.-66C>G (NM_001328100.2); short protein forms P152A.
Identifiers: ClinVar variation 745034 (VCV000745034.5), dbSNP rs139548761, ClinGen allele CA4052220.